The following is an entry in ClinVar:

NM_003119.4(SPG7):c.1740G>T (p.Leu580Phe)

Gene: SPG7 (SPG7 matrix AAA peptidase subunit, paraplegin; plus strand). Cytogenetic location: 16q24.3.
Variant type: single nucleotide variant.
Coding change: c.1740G>T on transcript NM_003119.4 (MANE Select); coding-DNA position 1740, G replaced by T.
Protein change: p.Leu580Phe; replaces leucine 580 with phenylalanine.
Molecular consequence: missense variant.
Genome position (GRCh38, 1-based): chr16:89,550,570, G>T. VCF-style: chr16-89550570-G-T. GRCh37 (hg19) VCF-style: chr16-89616978-G-T.
Other names: c.1740G>T, p.Leu580Phe (NM_001363850.1); short protein forms L580F.
Identifiers: ClinVar variation 1409368 (VCV001409368.6), dbSNP rs115658934, ClinGen allele CA397431110.
Genomic context (GRCh38, chr16:89,550,570, plus strand): 5'-CAAGATCCTGTCCAAGGAAGAACAGAAAGTGGTTGCGTTTCATGAGTCGGGCCACGCCTT[G>T]GTGGGCTGGATGCTGGAGCACACGGAGGCCGTGATGAAGGTGGGTCTTGGCAGGTGCCGG-3'
Protein context (NP_003110.1, residues 570-590): VVAFHESGHA[Leu580Phe]VGWMLEHTEA

ClinVar aggregate classification (germline): Uncertain significance (1 of 4 stars; one submission).

Conditions:
Hereditary spastic paraplegia 7 (SPG7). Also called: Autosomal recessive spastic paraplegia type 7; SPG7-related neurologic disorder; SPASTIC PARAPLEGIA 7, AUTOSOMAL RECESSIVE, WITH OR WITHOUT CEREBELLAR ATAXIA; Spastic paraplegia 7; Hereditary spastic paraplegia Paraplegin type. Identifiers: Orphanet 99013, MedGen C1846564, MONDO:0011803, OMIM 607259.

Submission:

Labcorp Genetics (formerly Invitae), Labcorp
Classification: Uncertain significance for Hereditary spastic paraplegia 7. Last evaluated: 2021-08-05. Review status: criteria provided, single submitter. Criteria: Invitae Variant Classification Sherloc (09022015). Collection method: clinical testing. Allele origin: germline.
Comment: This sequence change replaces leucine with phenylalanine at codon 580 of the SPG7 protein (p.Leu580Phe). The leucine residue is highly conserved and there is a small physicochemical difference between leucine and phenylalanine. This variant is not present in population databases (ExAC no frequency). This variant has not been reported in the literature in individuals affected with SPG7-related conditions. Advanced modeling of protein sequence and biophysical properties (such as structural, functional, and spatial information, amino acid conservation, physicochemical variation, residue mobility, and thermodynamic stability) performed at Invitae indicates that this missense variant is expected to disrupt SPG7 protein function. In summary, the available evidence is currently insufficient to determine the role of this variant in disease. Therefore, it has been classified as a Variant of Uncertain Significance.